The following is an entry in ClinVar:

NM_000053.4(ATP7B):c.313T>A (p.Ser105Thr)

Gene: ATP7B (ATPase copper transporting beta; minus strand). Cytogenetic location: 13q14.3.
Variant type: single nucleotide variant.
Coding change: c.313T>A on transcript NM_000053.4 (MANE Select); coding-DNA position 313, T replaced by A.
Protein change: p.Ser105Thr; replaces serine 105 with threonine.
Molecular consequence: missense variant.
Genome position (GRCh38, 1-based): chr13:51,974,907, A>T on the plus strand (T>A on the coding strand, the complement: ATP7B is on the minus strand). VCF-style: chr13-51974907-A-T. GRCh37 (hg19) VCF-style: chr13-52549043-A-T.
Other names: c.313T>A, p.Ser105Thr (NM_001005918.3, NM_001243182.2, NM_001330578.2 and 30 more transcripts); c.217T>A, p.Ser73Thr (NM_001406530.1, NM_001406543.1, NM_001406544.1 and 4 more transcripts); short protein forms S105T, S73T.
Identifiers: ClinVar variation 2921253 (VCV002921253.3), dbSNP rs2547823934, ClinGen allele CA388044482.

ClinVar aggregate classification (germline): Uncertain significance. Review status: criteria provided, multiple submitters, no conflicts (2 of 4 stars). 3 submissions from 3 submitters: Uncertain significance (3). Last evaluated 2024-04-25.

Conditions:
Wilson disease (WND). Also called: Wilson's disease. Identifiers: Orphanet 905, MedGen C0019202, MONDO:0010200, OMIM 277900. Disease mechanism: loss of function.

Submissions (3):

All of Us Research Program, National Institutes of Health
Classification: Uncertain significance for Wilson disease. Last evaluated: 2024-04-25. Review status: criteria provided, single submitter. Criteria: ACMG Guidelines, 2015. Collection method: clinical testing. Allele origin: germline. Inheritance: Autosomal recessive inheritance. Observed: 1 variant allele, 1 heterozygote.
Comment: This missense variant replaces serine with threonine at codon 105 of the ATP7B protein. Computational prediction suggests that this variant may not impact protein structure and function (internally defined REVEL score threshold <= 0.5, PMID: 27666373). To our knowledge, functional studies have not been reported for this variant. This variant has not been reported in individuals affected with ATP7B-related disorders in the literature. This variant has not been identified in the general population by the Genome Aggregation Database (gnomAD). The available evidence is insufficient to determine the role of this variant in disease conclusively. Therefore, this variant is classified as a Variant of Uncertain Significance.

This study involves interpretation of variants in research participants for the purpose of population health screening. Participant phenotype was not available at the time of variant classification. Additional details can be found in publication PMID: 35346344, PMCID: PMC8962531

Color Diagnostics, LLC DBA Color Health
Classification: Uncertain significance for Wilson disease. Last evaluated: 2024-04-10. Review status: criteria provided, single submitter. Criteria: ACMG Guidelines, 2015. Collection method: clinical testing. Allele origin: germline.
Comment: This missense variant replaces serine with threonine at codon 105 of the ATP7B protein. Computational prediction suggests that this variant may not impact protein structure and function. To our knowledge, functional studies have not been reported for this variant. This variant has not been reported in individuals affected with ATP7B-related disorders in the literature. This variant has not been identified in the general population by the Genome Aggregation Database (gnomAD). The available evidence is insufficient to determine the role of this variant in disease conclusively. Therefore, this variant is classified as a Variant of Uncertain Significance.

ARUP Laboratories, Molecular Genetics and Genomics, ARUP Laboratories
Classification: Uncertain significance for Wilson disease. Last evaluated: 2023-11-09. Review status: criteria provided, single submitter. Criteria: ARUP Molecular Germline Variant Investigation Process 2024. Collection method: clinical testing. Allele origin: germline.
Comment: The ATP7B c.313T>A; p.Ser105Thr variant, to our knowledge, is not reported in the medical literature or gene specific databases. This variant is also absent from the Genome Aggregation Database, indicating it is not a common polymorphism. Computational analyses are uncertain whether this variant is neutral or deleterious (REVEL: 0.229). Due to limited information, the clinical significance of this variant is uncertain at this time.